The following is an entry in ClinVar:

ClinVar aggregate classification (germline): Uncertain significance (1 of 4 stars; one submission).

Conditions:
Atypical glycine encephalopathy. Also called: Glycine encephalopathy with normal serum glycine. Identifiers: Orphanet 289863, MedGen C4310943, MONDO:0015010, OMIM 617301.

gnomAD v4.1: 1 of 1,614,034 alleles (0.000062%); highest among the groups gnomAD compares: Admixed American, 0.0017%; no homozygotes.

Submission:

Labcorp Genetics (formerly Invitae), Labcorp
Classification: Uncertain significance for Atypical glycine encephalopathy. Last evaluated: 2024-10-10. Review status: criteria provided, single submitter. Criteria: Invitae Variant Classification Sherloc (09022015). Collection method: clinical testing. Allele origin: germline.
Comment: This sequence change replaces serine, which is neutral and polar, with proline, which is neutral and non-polar, at codon 620 of the SLC6A9 protein (p.Ser620Pro). This variant is not present in population databases (gnomAD no frequency). This variant has not been reported in the literature in individuals affected with SLC6A9-related conditions. An algorithm developed to predict the effect of missense changes on protein structure and function (PolyPhen-2) suggests that this variant is likely to be disruptive. In summary, the available evidence is currently insufficient to determine the role of this variant in disease. Therefore, it has been classified as a Variant of Uncertain Significance.

NM_001024845.3(SLC6A9):c.1639T>C (p.Ser547Pro)

Gene: SLC6A9 (solute carrier family 6 member 9; minus strand). Cytogenetic location: 1p34.1.
Variant type: single nucleotide variant.
Coding change: c.1639T>C on transcript NM_001024845.3 (MANE Select); coding-DNA position 1639, T replaced by C.
Protein change: p.Ser547Pro; replaces serine 547 with proline.
Molecular consequence: missense variant. On other transcripts: non-coding transcript variant (1), intron variant (1).
Genome position (GRCh38, 1-based): chr1:43,997,923, A>G on the plus strand (T>C on the coding strand, the complement: SLC6A9 is on the minus strand). VCF-style: chr1-43997923-A-G. GRCh37 (hg19) VCF-style: chr1-44463595-A-G.
Other names: c.1651T>C, p.Ser551Pro (NM_001261380.2); c.1306T>C, p.Ser436Pro (NM_001328626.2); c.1576T>C, p.Ser526Pro (NM_001328627.1); c.1444T>C, p.Ser482Pro (NM_001328628.1); c.1639T>C, p.Ser547Pro (NM_001328629.1); c.1696T>C, p.Ser566Pro (NM_006934.4); c.1858T>C, p.Ser620Pro (NM_201649.4); c.1204-184T>C (NM_001328630.2); short protein forms S482P, S551P, S547P, S436P, S526P, S566P, S620P.
Identifiers: ClinVar variation 3675604 (VCV003675604.2).